The following is an entry in ClinVar:

NM_000262.3(NAGA):c.40del (p.Gln14fs)

Genes: NAGA (alpha-N-acetylgalactosaminidase; minus strand), LOC126863160 (CDK7 strongly-dependent group 2 enhancer GRCh37_chr22:42462918-42464117; plus strand). Cytogenetic location: 22q13.2.
Variant type: Deletion.
Coding change: c.40del on transcript NM_000262.3 (MANE Select); coding-DNA position 40, one base deleted (C; older notation c.40delC).
Protein change: p.Gln14fs; shifts the reading frame from glutamine 14.
Molecular consequence: frameshift variant.
Genome position (GRCh38, 1-based): chr22:42,068,551, G deleted on the plus strand (C on the coding strand, the reverse complement: NAGA is on the minus strand); the first of 3 consecutive G bases (chr22:42,068,551-42,068,553); deleting any one gives the same sequence. VCF-style (leftmost placement, unchanged base first): chr22-42068550-TG-T. GRCh37 (hg19) VCF-style: chr22-42464554-TG-T.
Other names: c.40del, p.Gln14fs (NM_001362848.1, NM_001362850.1); short protein forms Q14fs.
Identifiers: ClinVar variation 5016103 (VCV005016103.1).

ClinVar aggregate classification (germline): Pathogenic (1 of 4 stars; one submission).

Conditions:
Alpha-N-acetylgalactosaminidase deficiency. Identifiers: Orphanet 3137, MedGen C5848084, MONDO:0017779.

Submission:

Myriad Genetics, Inc.
Classification: Pathogenic for Alpha-N-acetylgalactosaminidase deficiency. Last evaluated: 2026-07-01. Review status: criteria provided, single submitter. Criteria: Myriad Autosomal Dominant, Autosomal Recessive and X-Linked Classification Criteria (2023). Collection method: clinical testing. Allele origin: unknown.
Comment: NM_000262.2(NAGA):c.40delC(Q14Rfs*3) is expected to be pathogenic in the context of NAGA-related disorders. This variant is predicted to lead to an abnormal or absent protein product due to the creation of a premature termination codon in NAGA, a gene where loss-of-function variants are known to be pathogenic. Please note: this variant was assessed in the context of healthy population screening.